The following is an entry in ClinVar:

NM_152328.5(ADSS1):c.193-5058del

Gene: ADSS1 (adenylosuccinate synthase 1; plus strand). Cytogenetic location: 14q32.33.
Variant type: Deletion.
Coding change: c.193-5058del on transcript NM_152328.5 (MANE Select); 5058 bases into the intron before coding-DNA position 193, one base deleted (C; older notation c.193-5058delC).
Molecular consequence: intron variant. On other transcripts: 5 prime UTR variant (1), nonsense (1).
Genome position (GRCh38, 1-based): chr14:104,729,962, C deleted; the last of 3 consecutive C bases (chr14:104,729,960-104,729,962); deleting any one gives the same sequence. VCF-style (leftmost placement, unchanged base first): chr14-104729959-GC-G. GRCh37 (hg19) VCF-style: chr14-105196296-GC-G.
Other names: c.-658del (NM_001320424.1); c.70del, p.Ala23_Leu24insTer (NM_199165.2).
Identifiers: ClinVar variation 1911377 (VCV001911377.5), dbSNP rs777908589, ClinGen allele CA7373504.
Genomic context (GRCh38, chr14:104,729,959, plus strand): 5'-GGGAGGAGCTGTGGGGTGGCAACCCAGAGGCAAGGAGGTGGGCAGAGGCCCACGAACCTG[GC>G]CCTGACCCTCAGCTCGTCCCCAGCTCACAGCACAGCCCTCCCCTGGCTGCCTCCAAGGAG-3'

ClinVar aggregate classification (germline): Pathogenic (1 of 4 stars; one submission).

Submission:

Labcorp Genetics (formerly Invitae), Labcorp
Classification: Pathogenic. Last evaluated: 2025-08-03. Review status: criteria provided, single submitter. Criteria: Invitae Variant Classification Sherloc (09022015). Collection method: clinical testing. Allele origin: germline.
Comment: This sequence change creates a premature translational stop signal (p.Leu24*) in the ADSSL1 gene. It is expected to result in an absent or disrupted protein product. Loss-of-function variants in ADSSL1 are known to be pathogenic (PMID: 26506222). This variant is not present in population databases (gnomAD no frequency). This variant has not been reported in the literature in individuals affected with ADSSL1-related conditions. ClinVar contains an entry for this variant (Variation ID: 1911377). For these reasons, this variant has been classified as Pathogenic.

Literature cited by the submitters: PubMed 26506222.